The following is an entry in ClinVar:

NM_002693.3(POLG):c.489C>T (p.Pro163=)

Genes: POLG (DNA polymerase gamma, catalytic subunit; minus strand), POLGARF (POLG alternative reading frame; minus strand). Cytogenetic location: 15q26.1.
Variant type: single nucleotide variant.
Coding change: c.489C>T on transcript NM_002693.3 (MANE Select); coding-DNA position 489, C replaced by T.
Protein change: p.Pro163=; no amino-acid change (proline 163 retained).
Molecular consequence: synonymous variant.
Genome position (GRCh38, 1-based): chr15:89,333,266, G>A on the plus strand (C>T on the coding strand, the complement: POLG is on the minus strand). VCF-style: chr15-89333266-G-A. GRCh37 (hg19) VCF-style: chr15-89876497-G-A.
Other names: c.489C>T, p.Pro163= (NM_001126131.2).
Identifiers: ClinVar variation 379096 (VCV000379096.9), dbSNP rs1057520491, ClinGen allele CA16607920.

ClinVar aggregate classification (germline): Likely benign. Review status: criteria provided, multiple submitters, no conflicts (2 of 4 stars). 2 submissions from 2 submitters: Likely benign (2). Last evaluated 2024-08-28.

Conditions:
Progressive sclerosing poliodystrophy (MTDPS4A). Also called: ALPERS PROGRESSIVE INFANTILE POLIODYSTROPHY; NEURONAL DEGENERATION OF CHILDHOOD WITH LIVER DISEASE, PROGRESSIVE; Alpers-Huttenlocher Syndrome (AHS); Alpers Syndrome; Mitochondrial DNA Depletion Syndrome 4A; ALPERS DIFFUSE DEGENERATION OF CEREBRAL GRAY MATTER WITH HEPATIC CIRRHOSIS. Identifiers: Orphanet 726, MedGen C0205710, MONDO:0008758, OMIM 203700.

Allele frequency attached by ClinVar (database versions not stated): TOPMed below 0.00001.

Submissions (2):

Labcorp Genetics (formerly Invitae), Labcorp
Classification: Likely benign for Progressive sclerosing poliodystrophy. Last evaluated: 2024-08-28. Review status: criteria provided, single submitter. Criteria: Invitae Variant Classification Sherloc (09022015). Collection method: clinical testing. Allele origin: germline.

GeneDx
Classification: Likely benign. Last evaluated: 2016-07-07. Review status: criteria provided, single submitter. Criteria: GeneDx Variant Classification (06012015). Collection method: clinical testing. Allele origin: germline. Affected: yes.
Comment: This variant is considered likely benign or benign based on one or more of the following criteria: it is a conservative change, it occurs at a poorly conserved position in the protein, it is predicted to be benign by multiple in silico algorithms, and/or has population frequency not consistent with disease.